The following is an entry in ClinVar:

ClinVar aggregate classification (germline): Benign. Review status: criteria provided, multiple submitters, no conflicts (2 of 4 stars). 3 submissions from 3 submitters: Benign (3). Last evaluated 2026-01-19.

Conditions:
Mevalonic aciduria (MEVA). Identifiers: Orphanet 29, MedGen C1959626, MONDO:0012481, OMIM 610377.
Porokeratosis 3, disseminated superficial actinic type (POROK3). Also called: POROKERATOSIS, DISSEMINATED SUPERFICIAL ACTINIC, 1; POROKERATOSIS 3, MULTIPLE TYPES; POROKERATOSIS 3, MIBELLI TYPE. Identifiers: MedGen C1867981, MONDO:0008293, OMIM 175900.
Hyperimmunoglobulin D with periodic fever (HIDS). Also called: HYPERIMMUNOGLOBULINEMIA D AND PERIODIC FEVER SYNDROME; Hyperimmunoglobulinemia D; Hyperimmunoglobulinemia D with periodic fever. Identifiers: Orphanet 343, MedGen C0398691, MONDO:0009849, OMIM 260920.

Submissions (3):

Labcorp Genetics (formerly Invitae), Labcorp
Classification: Benign for Mevalonic aciduria; Hyperimmunoglobulin D with periodic fever; Porokeratosis 3, disseminated superficial actinic type. Last evaluated: 2026-01-19. Review status: criteria provided, single submitter. Criteria: Invitae Variant Classification Sherloc (09022015). Collection method: clinical testing. Allele origin: germline.

Unidad de Genómica Garrahan, Hospital de Pediatría Garrahan
Classification: Benign. Last evaluated: 2024-01-24. Review status: criteria provided, single submitter. Criteria: ACMG Guidelines, 2015. Collection method: clinical testing. Allele origin: germline. Affected: no. Observed: 24 variant alleles.
Comment: This variant is classified as Benign based on local population frequency. This variant was detected in 27% of patients studied by a panel of primary immunodeficiencies. Number of patients: 24. Only high quality variants are reported.

GeneDx
Classification: Benign. Last evaluated: 2018-07-09. Review status: criteria provided, single submitter. Criteria: GeneDx Variant Classification Process June 2021. Collection method: clinical testing. Allele origin: germline. Affected: yes.

NM_000431.4(MVK):c.*58dup

Gene: MVK (mevalonate kinase; plus strand). Cytogenetic location: 12q24.11.
Variant type: Duplication.
Coding change: c.*58dup on transcript NM_000431.4 (MANE Select); 58 bases downstream of the stop codon, one base duplicated (G; older notation c.*58dupG).
Molecular consequence: 3 prime UTR variant.
Genome position (GRCh38, 1-based): chr12:109,596,635, G duplicated; the last of 5 consecutive G bases (chr12:109,596,631-109,596,635); duplicating any one gives the same sequence. VCF-style (leftmost placement, unchanged base first): chr12-109596630-T-TG. GRCh37 (hg19) VCF-style: chr12-110034435-T-TG.
Other names: c.*58dup (LRG_156t1, NM_001114185.3, NM_001301182.2).
Identifiers: ClinVar variation 307102 (VCV000307102.16), dbSNP rs397714540, ClinGen allele CA10640852.
Genomic context (GRCh38, chr12:109,596,630, plus strand): 5'-GCCTCTGAGAGGAGCCCACGACACTGCAGCCCCACCCAGATGCCCCTTTCTGGATTATTC[T>TG]GGGGGCTGCAGTTCGACTCTGTGCTGGCCAGCGAGCGCCCAGCTCCTGACACTGCTGGAG-3'